The following is an entry in ClinVar:

NM_001908.5(CTSB):c.991C>T (p.Arg331Cys)

Gene: CTSB (cathepsin B). Cytogenetic location: 8p23.1.
Variant type: single nucleotide variant.
Coding change: c.991C>T on transcript NM_001908.5 (MANE Select); coding-DNA position 991, C replaced by T.
Protein change: p.Arg331Cys; replaces arginine 331 with cysteine.
Molecular consequence: missense variant.
Genome position (GRCh38, 1-based): chr8:11,845,154, G>A on the plus strand (C>T on the coding strand, the complement: CTSB is on the minus strand). VCF-style: chr8-11845154-G-A. GRCh37 (hg19) VCF-style: chr8-11702663-G-A.
Other names: c.619C>T, p.Arg207Cys (NM_001317237.2); c.991C>T, p.Arg331Cys (NM_001384714.1, NM_001384723.1, NM_001384724.1 and 8 more transcripts); short protein forms R207C, R331C.
Identifiers: ClinVar variation 992227 (VCV000992227.1), dbSNP rs148519031, ClinGen allele CA4632333.

ClinVar aggregate classification (germline): Uncertain significance (1 of 4 stars; one submission).

Allele frequency attached by ClinVar (database versions not stated): gnomAD exomes 0.00002; ExAC 0.00004; gnomAD 0.00004; TOPMed 0.00004 and 0.00008; ESP Exome Variant Server 0.00008.

Submission:

Women's Health and Genetics/Laboratory Corporation of America, LabCorp
Classification: Uncertain significance. Last evaluated: 2020-12-10. Review status: criteria provided, single submitter. Criteria: LabCorp Variant Classification Summary - May 2015. Collection method: clinical testing. Allele origin: germline.
Comment: Variant summary: CTSB c.991C>T (p.Arg331Cys) results in a non-conservative amino acid change in the encoded protein sequence. Three of five in-silico tools predict a damaging effect of the variant on protein function. The variant allele was found at a frequency of 2.4e-05 in 251402 control chromosomes. The available data on variant occurrences in the general population are insufficient to allow any conclusion about variant significance. To our knowledge, no occurrence of c.991C>T in individuals affected with CTSB-Related Disorders and no experimental evidence demonstrating its impact on protein function have been reported. No clinical diagnostic laboratories have submitted clinical-significance assessments for this variant to ClinVar after 2014. Based on the evidence outlined above, the variant was classified as uncertain significance.